The following is an entry in ClinVar:

NM_001366385.1(CARD14):c.2314C>T (p.Arg772Cys)

Genes: SGSH (N-sulfoglucosamine sulfohydrolase; minus strand), CARD14 (caspase recruitment domain family member 14; plus strand). Cytogenetic location: 17q25.3.
Variant type: single nucleotide variant.
Coding change: c.2314C>T on transcript NM_001366385.1 (MANE Select); coding-DNA position 2314, C replaced by T.
Protein change: p.Arg772Cys; replaces arginine 772 with cysteine.
Molecular consequence: missense variant. On other transcripts: non-coding transcript variant (1).
Genome position (GRCh38, 1-based): chr17:80,204,257, C>T. VCF-style: chr17-80204257-C-T. GRCh37 (hg19) VCF-style: chr17-78178056-C-T.
Other names: c.2314C>T, p.Arg772Cys (NM_024110.4); short protein forms R772C.
Identifiers: ClinVar variation 458096 (VCV000458096.8), dbSNP rs577478029, ClinGen allele CA8817271.

ClinVar aggregate classification (germline): Uncertain significance (1 of 4 stars; one submission).

Conditions:
Pityriasis rubra pilaris (PRP). Also called: Pityriasis rubra pilaris--familial type. Identifiers: Orphanet 2897, MedGen C0032027, MONDO:0100017, OMIM 173200, MONDO:0008251.
Psoriasis 2. Identifiers: MedGen C1864497, MONDO:0011269, OMIM 602723.

Allele frequency attached by ClinVar (database versions not stated): gnomAD 0.00001 and 0.00003; TOPMed 0.00003; gnomAD exomes 0.00004; ExAC 0.00005; 1000 Genomes Project 30x 0.00016; 1000 Genomes Project 0.00020.
gnomAD v4.1: 57 of 1,597,530 alleles (0.0036%); highest among the groups gnomAD compares: Non-Finnish European, 0.0045%; no homozygotes.

Submission:

Labcorp Genetics (formerly Invitae), Labcorp
Classification: Uncertain significance for Pityriasis rubra pilaris; Psoriasis 2. Last evaluated: 2024-11-05. Review status: criteria provided, single submitter. Criteria: Invitae Variant Classification Sherloc (09022015). Collection method: clinical testing. Allele origin: germline.
Comment: This sequence change replaces arginine, which is basic and polar, with cysteine, which is neutral and slightly polar, at codon 772 of the CARD14 protein (p.Arg772Cys). This variant is present in population databases (rs577478029, gnomAD 0.01%). This variant has not been reported in the literature in individuals affected with CARD14-related conditions. ClinVar contains an entry for this variant (Variation ID: 458096). Invitae Evidence Modeling of protein sequence and biophysical properties (such as structural, functional, and spatial information, amino acid conservation, physicochemical variation, residue mobility, and thermodynamic stability) has been performed for this missense variant. However, the output from this modeling did not meet the statistical confidence thresholds required to predict the impact of this variant on CARD14 protein function. In summary, the available evidence is currently insufficient to determine the role of this variant in disease. Therefore, it has been classified as a Variant of Uncertain Significance.